The following is an entry in ClinVar:

ClinVar aggregate classification (germline): Conflicting classifications of pathogenicity. Review status: criteria provided, conflicting classifications (1 of 4 stars). 8 submissions from 8 submitters: Uncertain significance (1); Benign (1); Likely benign (3). 3 of the submissions do not count toward it. Last evaluated 2026-08-01.

Conditions:
SLC12A6-related disorder. Also called: SLC12A6-related condition.
Agenesis of the corpus callosum with peripheral neuropathy (ACCPN). Also called: HMSN/ACC; Hereditary Motor and Sensory Neuropathy with Agenesis of the Corpus Callosum; CHARLEVOIX DISEASE; POLYNEUROPATHY, SENSORIMOTOR, WITH OR WITHOUT AGENESIS OF THE CORPUS CALLOSUM. Identifiers: Orphanet 1496, MedGen C0795950, MONDO:0000902, OMIM 218000. Disease mechanism: loss of function.
Charcot-Marie-Tooth disease, axonal, IIa 2II. Also called: CHARCOT-MARIE-TOOTH NEUROPATHY, TYPE 2II; Charcot-Marie-Tooth disease, axonal, type 2II; Charcot-marie-tooth disease, axonal,IIa 2II. Identifiers: MedGen C5774227, MONDO:0031068, OMIM 620068.

Allele frequency attached by ClinVar (database versions not stated): 1000 Genomes Project 0.00160; 1000 Genomes Project 30x 0.00187; gnomAD 0.00276 and 0.00280; TOPMed 0.00287; ExAC 0.00310; gnomAD exomes 0.00313; ESP Exome Variant Server 0.00415.
gnomAD v4.1: 5,813 of 1,613,838 alleles (0.36%); highest among the groups gnomAD compares: Non-Finnish European, 0.43%; 24 homozygotes.

Submissions (8):

CeGaT Center for Human Genetics Tuebingen
Classification: Likely benign. Last evaluated: 2026-08-01. Review status: criteria provided, single submitter. Criteria: CeGaT Center For Human Genetics Tuebingen Variant Classification Criteria Version 2. Collection method: clinical testing. Allele origin: germline. Affected: yes. Observed: 19 variant alleles.
Comment: SLC12A6: BP4, BS2

ARUP Laboratories, Molecular Genetics and Genomics, ARUP Laboratories
Classification: Benign. Last evaluated: 2025-07-09. Review status: criteria provided, single submitter. Criteria: ARUP Molecular Germline Variant Investigation Process 2024. Collection method: clinical testing. Allele origin: germline.

Blueprint Genetics
Classification: Likely benign. Last evaluated: 2024-11-27. Review status: criteria provided, single submitter. Criteria: ACMG Guidelines, 2015. Collection method: clinical testing. Allele origin: germline.

Department of Pathology and Laboratory Medicine, Sinai Health System
Classification: Likely benign for Agenesis of the corpus callosum with peripheral neuropathy; Charcot-Marie-Tooth disease, axonal, IIa 2II. Last evaluated: 2022-01-26. Review status: criteria provided, single submitter. Criteria: ACMG Guidelines, 2015. Collection method: research. Allele origin: germline.

Genomic Diagnostic Laboratory, Division of Genomic Diagnostics, Children's Hospital of Philadelphia
Classification: Uncertain significance. Last evaluated: 2015-02-13. Review status: criteria provided, single submitter. Criteria: DGD Variant Analysis Guidelines. Collection method: clinical testing. Allele origin: unknown.

PreventionGenetics, part of Exact Sciences
Classification: Likely benign for SLC12A6-related condition. Last evaluated: 2019-05-01. Review status: no assertion criteria provided. Collection method: clinical testing. Allele origin: germline. Not counted in ClinVar's aggregate classification.
Comment: This variant is classified as likely benign based on ACMG/AMP sequence variant interpretation guidelines (Richards et al. 2015 PMID: 25741868, with internal and published modifications).

Clinical Genetics DNA and cytogenetics Diagnostics Lab, Erasmus MC, Erasmus Medical Center
Classification: Benign. Review status: no assertion criteria provided. Collection method: clinical testing. Allele origin: germline. Affected: yes. Study: VKGL Data-share Consensus. Not counted in ClinVar's aggregate classification.

Clinical Genetics, Academic Medical Center
Classification: Likely benign. Review status: no assertion criteria provided. Collection method: clinical testing. Allele origin: germline. Affected: yes. Study: VKGL Data-share Consensus. Not counted in ClinVar's aggregate classification.

NM_001365088.1(SLC12A6):c.271+17825C>T

Gene: SLC12A6 (solute carrier family 12 member 6; minus strand). Cytogenetic location: 15q14.
Variant type: single nucleotide variant.
Coding change: c.271+17825C>T on transcript NM_001365088.1 (MANE Select); 17825 bases into the intron after coding-DNA position 271, C replaced by T.
Molecular consequence: intron variant. On other transcripts: missense variant (1).
Genome position (GRCh38, 1-based): chr15:34,318,585, G>A on the plus strand (C>T on the coding strand, the complement: SLC12A6 is on the minus strand). VCF-style: chr15-34318585-G-A. GRCh37 (hg19) VCF-style: chr15-34610786-G-A.
Other names: c.94C>T, p.Arg32Trp (NM_005135.2); c.94+17825C>T (NM_001042495.2, NM_001042494.2); c.244+17825C>T (NM_001042496.2); c.271+17825C>T (NM_001042497.2, NM_133647.2); short protein forms R32W.
Identifiers: ClinVar variation 218665 (VCV000218665.43), dbSNP rs150751809, ClinGen allele CA248916.